The following is an entry in ClinVar:

NM_024757.5(EHMT1):c.1924A>C (p.Ile642Leu)

Gene: EHMT1 (euchromatic histone lysine methyltransferase 1; plus strand). Cytogenetic location: 9q34.3.
Variant type: single nucleotide variant.
Coding change: c.1924A>C on transcript NM_024757.5 (MANE Select); coding-DNA position 1924, A replaced by C.
Protein change: p.Ile642Leu; replaces isoleucine 642 with leucine.
Molecular consequence: missense variant.
Genome position (GRCh38, 1-based): chr9:137,776,750, A>C. VCF-style: chr9-137776750-A-C. GRCh37 (hg19) VCF-style: chr9-140671202-A-C.
Other names: c.1924A>C, p.Ile642Leu (NM_001145527.2); c.1831A>C, p.Ile611Leu (NM_001354259.2); c.1903A>C, p.Ile635Leu (NM_001354263.2); short protein forms I611L, I635L, I642L.
Identifiers: ClinVar variation 4538864 (VCV004538864.1).

ClinVar aggregate classification (germline): Uncertain significance (1 of 4 stars; one submission).

Submission:

GeneDx
Classification: Uncertain significance. Last evaluated: 2025-06-16. Review status: criteria provided, single submitter. Criteria: GeneDx Variant Classification Process June 2021. Collection method: clinical testing. Allele origin: germline. Affected: yes.
Comment: Has not been previously published as pathogenic or benign to our knowledge; Not observed at significant frequency in large population cohorts (gnomAD); In silico analysis suggests that this missense variant does not alter protein structure/function